The following is an entry in ClinVar:

ClinVar aggregate classification (germline): Benign (0 of 4 stars; one submission).

Conditions:
THADA-related disorder. Also called: THADA-related condition.

Allele frequency attached by ClinVar (database versions not stated): 1000 Genomes Project 30x 0.00109; 1000 Genomes Project 0.00120; ESP Exome Variant Server 0.00162.
gnomAD v4.1: 4,021 of 1,613,574 alleles (0.25%); highest among the groups gnomAD compares: Non-Finnish European, 0.22%; 30 homozygotes.

Submission:

PreventionGenetics, part of Exact Sciences
Classification: Benign for THADA-related condition. Last evaluated: 2019-06-06. Review status: no assertion criteria provided. Collection method: clinical testing. Allele origin: germline.
Comment: This variant is classified as benign based on ACMG/AMP sequence variant interpretation guidelines (Richards et al. 2015 PMID: 25741868, with internal and published modifications).

NM_022065.5(THADA):c.349C>T (p.Arg117Cys)

Gene: THADA (THADA armadillo repeat containing; minus strand). Cytogenetic location: 2p21.
Variant type: single nucleotide variant.
Coding change: c.349C>T on transcript NM_022065.5 (MANE Select); coding-DNA position 349, C replaced by T.
Protein change: p.Arg117Cys; replaces arginine 117 with cysteine.
Molecular consequence: missense variant. On other transcripts: non-coding transcript variant (2).
Genome position (GRCh38, 1-based): chr2:43,586,956, G>A on the plus strand (C>T on the coding strand, the complement: THADA is on the minus strand). VCF-style: chr2-43586956-G-A. GRCh37 (hg19) VCF-style: chr2-43814095-G-A.
Other names: c.349C>T, p.Arg117Cys (NM_001083953.2, NM_001271643.2, NM_001271644.2 and 3 more transcripts); c.-514C>T (NM_198554.1); short protein forms R117C.
Identifiers: ClinVar variation 3044210 (VCV003044210.2), dbSNP rs61756227, ClinGen allele CA1633668.